The following is an entry in ClinVar:

NM_004247.4(EFTUD2):c.1542C>A (p.Tyr514Ter)

Gene: EFTUD2 (elongation factor Tu GTP binding domain containing 2; minus strand). Cytogenetic location: 17q21.31.
Variant type: single nucleotide variant.
Coding change: c.1542C>A on transcript NM_004247.4 (MANE Select); coding-DNA position 1542, C replaced by A.
Protein change: p.Tyr514Ter; replaces tyrosine 514 with a stop codon.
Molecular consequence: nonsense.
Genome position (GRCh38, 1-based): chr17:44,862,778, G>T on the plus strand (C>A on the coding strand, the complement: EFTUD2 is on the minus strand). VCF-style: chr17-44862778-G-T. GRCh37 (hg19) VCF-style: chr17-42940146-G-T.
Other names: c.1437C>A, p.Tyr479Ter (NM_001142605.2); c.1542C>A, p.Tyr514Ter (NM_001258353.2); c.1512C>A, p.Tyr504Ter (NM_001258354.2); short protein forms Y514*, Y504*, Y479*.
Identifiers: ClinVar variation 429890 (VCV000429890.5), dbSNP rs749855263, ClinGen allele CA399813625.

ClinVar aggregate classification (germline): Pathogenic/Likely pathogenic. Review status: criteria provided, multiple submitters, no conflicts (2 of 4 stars). 2 submissions from 2 submitters: Pathogenic (1); Likely pathogenic (1). Last evaluated 2022-06-08.

Conditions:
Mandibulofacial dysostosis-microcephaly syndrome (MFDGA). Also called: Mandibulofacial dysostosis, Guion-Almeida type; Growth and mental retardation, mandibulofacial dysostosis, microcephaly, and cleft palate. Identifiers: Orphanet 79113, MedGen C1864652, MONDO:0012516, OMIM 610536.

Submissions (2):

Revvity Omics, Revvity
Classification: Likely pathogenic for Mandibulofacial dysostosis-microcephaly syndrome. Last evaluated: 2022-06-08. Review status: criteria provided, single submitter. Criteria: ACMG Guidelines, 2015. Collection method: clinical testing. Allele origin: germline.

GeneDx
Classification: Pathogenic. Last evaluated: 2015-09-30. Review status: criteria provided, single submitter. Criteria: GeneDx Variant Classification (06012015). Collection method: clinical testing. Allele origin: germline. Affected: yes.
Comment: The Y514X pathogenic variant in the EFTUD2 gene has not been reported previously as a pathogenic variant nor as a benign variant, to our knowledge. This variant is predicted to cause loss of normal protein function either through protein truncation or nonsense-mediated mRNA decay. The Y514X variant was not observed in approximately 6500 individuals of European and African American ancestry in the NHLBI Exome Sequencing Project, indicating it is not a common benign variant in these populations. We interpret Y514X as a pathogenic variant.